The following is an entry in ClinVar:

ClinVar aggregate classification (germline): Likely benign (1 of 4 stars; one submission).

Allele frequency attached by ClinVar (database versions not stated): 1000 Genomes Project 30x 0.00078; 1000 Genomes Project 0.00080; ESP Exome Variant Server 0.00108; gnomAD exomes 0.00108; gnomAD 0.00114; TOPMed 0.00114; ExAC 0.00122.
gnomAD v4.1: 1,835 of 1,614,144 alleles (0.11%); highest among the groups gnomAD compares: Middle Eastern, 0.61%; 9 homozygotes.

Submission:

CeGaT Center for Human Genetics Tuebingen
Classification: Likely benign. Last evaluated: 2023-04-01. Review status: criteria provided, single submitter. Criteria: CeGaT Center For Human Genetics Tuebingen Variant Classification Criteria Version 2. Collection method: clinical testing. Allele origin: germline. Affected: yes. Observed: 1 variant allele.
Comment: FBXO4: BP4, BP7

NM_012176.3(FBXO4):c.522G>A (p.Gln174=)

Gene: FBXO4 (F-box protein 4; plus strand). Cytogenetic location: 5p13.1.
Variant type: single nucleotide variant.
Coding change: c.522G>A on transcript NM_012176.3 (MANE Select); coding-DNA position 522, G replaced by A.
Protein change: p.Gln174=; no amino-acid change (glutamine 174 retained).
Molecular consequence: synonymous variant.
Genome position (GRCh38, 1-based): chr5:41,929,793, G>A. VCF-style: chr5-41929793-G-A. GRCh37 (hg19) VCF-style: chr5-41929895-G-A.
Other names: c.522G>A, p.Gln174= (NM_001297437.2, NM_033484.3).
Identifiers: ClinVar variation 2655450 (VCV002655450.24), dbSNP rs144096644, ClinGen allele CA3254077.